The following is an entry in ClinVar:

ClinVar aggregate classification (germline): Likely pathogenic (1 of 4 stars; one submission).

Submission:

GeneDx
Classification: Likely pathogenic. Last evaluated: 2015-05-14. Review status: criteria provided, single submitter. Criteria: GeneDx Variant Classification (06012015). Collection method: clinical testing. Allele origin: germline. Affected: yes.
Comment: The F193S variant that is likely pathogenic was identified in the AIFM1 gene It has not been published as a pathogenic variant, nor has it been reported as a benign polymorphism to our knowledge. The F193S variant was not observed in approximately 6,500 individuals of European and African American ancestry in the NHLBI Exome Sequencing Project, indicating it is not a common benign variant in these populations. The F193S variant is a non-conservative amino acid substitution, which is likely to impact secondary protein structure as these residues differ in polarity, charge, size and/or other properties.This substitution occurs at a position that is conserved across species and in silico analysis predicts this variant is probably damaging to the protein structure/function. Therefore, this variant is a strong candidate for a pathogenic variant, however the possibility that it is a benign variant cannot be excluded.

NM_004208.4(AIFM1):c.578T>C (p.Phe193Ser)

Genes: AIFM1 (apoptosis inducing factor mitochondria associated 1; minus strand), RAB33A (RAB33A, member RAS oncogene family; plus strand). Cytogenetic location: Xq26.1.
Variant type: single nucleotide variant.
Coding change: c.578T>C on transcript NM_004208.4 (MANE Select); coding-DNA position 578, T replaced by C.
Protein change: p.Phe193Ser; replaces phenylalanine 193 with serine.
Molecular consequence: missense variant. On other transcripts: non-coding transcript variant (1).
Genome position (GRCh38, 1-based): chrX:130,147,520, A>G on the plus strand (T>C on the coding strand, the complement: AIFM1 is on the minus strand). VCF-style: chrX-130147520-A-G. GRCh37 (hg19) VCF-style: chrX-129281495-A-G.
Other names: c.578T>C, p.Phe193Ser (NM_001130847.4); c.566T>C, p.Phe189Ser (NM_145812.3); short protein forms F193S, F189S.
Identifiers: ClinVar variation 427154 (VCV000427154.1), dbSNP rs1085307990, ClinGen allele CA414587939.